The following is an entry in ClinVar:

NM_005751.5(AKAP9):c.5977+146G>T

Gene: AKAP9 (A-kinase anchoring protein 9; plus strand). Cytogenetic location: 7q21.2.
Variant type: single nucleotide variant.
Coding change: c.5977+146G>T on transcript NM_005751.5 (MANE Select); 146 bases into the intron after coding-DNA position 5977, G replaced by T.
Molecular consequence: intron variant.
Genome position (GRCh38, 1-based): chr7:92,062,632, G>T. VCF-style: chr7-92062632-G-T. GRCh37 (hg19) VCF-style: chr7-91691946-G-T.
Other names: c.5977+146G>T (NM_147185.3); c.622+146G>T (NM_001379277.1).
Identifiers: ClinVar variation 671873 (VCV000671873.1), dbSNP rs7781066, ClinGen allele CA161913701.

ClinVar aggregate classification (germline): Benign (1 of 4 stars; one submission).

Allele frequency attached by ClinVar (database versions not stated): gnomAD exomes 0.37325; 1000 Genomes Project 0.37380; 1000 Genomes Project 30x 0.37711; gnomAD 0.41636 and 0.42072; TOPMed 0.41722.
gnomAD v4.1: 268,017 of 699,744 alleles (38%); highest among the groups gnomAD compares: African/African-American, 51%; 53,694 homozygotes.

Submission:

GeneDx
Classification: Benign. Last evaluated: 2018-06-14. Review status: criteria provided, single submitter. Criteria: GeneDx Variant Classification (06012015). Collection method: clinical testing. Allele origin: germline. Affected: yes.
Comment: This variant is considered likely benign or benign based on one or more of the following criteria: it is a conservative change, it occurs at a poorly conserved position in the protein, it is predicted to be benign by multiple in silico algorithms, and/or has population frequency not consistent with disease.